The following is an entry in ClinVar:

ClinVar aggregate classification (germline): Uncertain significance (1 of 4 stars; one submission).

Conditions:
TCF12-related craniosynostosis. Also called: Craniosynostosis 3. Identifiers: Orphanet 35098, Orphanet 35099, Orphanet 672979, MedGen C3715051, MONDO:0014128, OMIM 615314.

Submission:

3billion
Classification: Uncertain significance for TCF12-related craniosynostosis. Last evaluated: 2024-07-11. Review status: criteria provided, single submitter. Criteria: ACMG Guidelines, 2015. Collection method: clinical testing. Allele origin: germline. Affected: yes.
Comment: The variant is not observed in the gnomAD v4.0.0 dataset. Predicted Consequence/Location: The majority of the known disease-causing variants of this gene are variants expected to result in premature termination of the protein. In silico tool predictions suggest damaging effect of the variant on gene or gene product [REVEL: 0.85 (>=0.6, sensitivity 0.68 and specificity 0.92); 3Cnet: 0.98 (>=0.6, sensitivity 0.72 and precision 0.9)]. Therefore, this variant is classified as VUS according to the recommendation of ACMG/AMP guideline.

NM_207037.2(TCF12):c.1821T>G (p.Asn607Lys)

Gene: TCF12 (transcription factor 12; plus strand). Cytogenetic location: 15q21.3.
Variant type: single nucleotide variant.
Coding change: c.1821T>G on transcript NM_207037.2 (MANE Select); coding-DNA position 1821, T replaced by G.
Protein change: p.Asn607Lys; replaces asparagine 607 with lysine.
Molecular consequence: missense variant.
Genome position (GRCh38, 1-based): chr15:57,273,105, T>G. VCF-style: chr15-57273105-T-G. GRCh37 (hg19) VCF-style: chr15-57565303-T-G.
Other names: c.1311T>G, p.Asn437Lys (NM_001306219.3); c.1041T>G, p.Asn347Lys (NM_001306220.3); c.1821T>G, p.Asn607Lys (NM_001322151.2, NM_001322159.3, NM_001322162.2 and 1 more transcripts); c.1818T>G, p.Asn606Lys (NM_001322152.2, NM_001322161.2); c.1164T>G, p.Asn388Lys (NM_001322154.2); c.1647T>G, p.Asn549Lys (NM_001322156.2); c.1749T>G, p.Asn583Lys (NM_001322157.3, NM_001322165.2, NM_003205.4 and 1 more transcripts); c.1575T>G, p.Asn525Lys (NM_001322158.2); and 2 more; short protein forms N347K, N388K, N413K, N437K, N525K, N549K, N583K, N595K.
Identifiers: ClinVar variation 4293304 (VCV004293304.1).